The following is an entry in ClinVar:

NM_032242.4(PLXNA1):c.2634C>T (p.Gly878=)

Gene: PLXNA1 (plexin A1; plus strand). Cytogenetic location: 3q21.3.
Variant type: single nucleotide variant.
Coding change: c.2634C>T on transcript NM_032242.4 (MANE Select); coding-DNA position 2634, C replaced by T.
Protein change: p.Gly878=; no amino-acid change (glycine 878 retained).
Molecular consequence: synonymous variant.
Genome position (GRCh38, 1-based): chr3:127,014,507, C>T. VCF-style: chr3-127014507-C-T. GRCh37 (hg19) VCF-style: chr3-126733350-C-T.
Identifiers: ClinVar variation 3036598 (VCV003036598.3), dbSNP rs1183081931, ClinGen allele CA435760071.

ClinVar aggregate classification (germline): Uncertain significance (1 of 4 stars; one submission).

Conditions:
PLXNA1-related disorder. Also called: PLXNA1-related condition.

Allele frequency attached by ClinVar (database versions not stated): gnomAD exomes 0.00001; TOPMed 0.00001; gnomAD 0.00002.
gnomAD v4.1: 14 of 1,606,350 alleles (0.00087%); highest among the groups gnomAD compares: African/African-American, 0.0053%; no homozygotes.

Submission:

PreventionGenetics, part of Exact Sciences
Classification: Uncertain significance for PLXNA1-related condition. Last evaluated: 2026-07-07. Review status: criteria provided, single submitter. Criteria: ACMG Guidelines, 2015. Collection method: clinical testing. Allele origin: germline.
Comment: The PLXNA1 c.2634C>T variant is not predicted to result in an amino acid change (p.=). This variant is predicted to alter splicing based on available splicing prediction programs (SpliceAI, Jaganathan et al. 2019. PubMed ID: 30661751). However, the use of computer prediction programs is not equivalent to functional evidence. To our knowledge, this variant has not been reported in the literature. This variant is reported in 0.0041% of alleles in individuals of African descent in gnomAD. At this time, the clinical significance of this variant is uncertain due to the absence of conclusive functional and genetic evidence.